The following is an entry in ClinVar:

ClinVar aggregate classification (germline): Likely benign (1 of 4 stars; one submission).

Submission:

GeneDx
Classification: Likely benign. Last evaluated: 2015-10-27. Review status: criteria provided, single submitter. Criteria: GeneDx Variant Classification (06012015). Collection method: clinical testing. Allele origin: germline. Affected: yes.
Comment: This variant is considered likely benign or benign based on one or more of the following criteria: it is a conservative change, it occurs at a poorly conserved position in the protein, it is predicted to be benign by multiple in silico algorithms, and/or has population frequency not consistent with disease.

NM_000059.4(BRCA2):c.141A>G (p.Ala47=)

Gene: BRCA2 (BRCA2 DNA repair associated; plus strand). Cytogenetic location: 13q13.1.
Variant type: single nucleotide variant.
Coding change: c.141A>G on transcript NM_000059.4 (MANE Select); coding-DNA position 141, A replaced by G.
Protein change: p.Ala47=; no amino-acid change (alanine 47 retained).
Molecular consequence: synonymous variant.
Genome position (GRCh38, 1-based): chr13:32,319,150, A>G. VCF-style: chr13-32319150-A-G. GRCh37 (hg19) VCF-style: chr13-32893287-A-G.
Identifiers: ClinVar variation 381246 (VCV000381246.1), dbSNP rs1057520991, ClinGen allele CA16607449.